The following is an entry in ClinVar:

NM_001352754.2(ARMC9):c.1408T>G (p.Cys470Gly)

Gene: ARMC9 (armadillo repeat containing 9; plus strand). Cytogenetic location: 2q37.1.
Variant type: single nucleotide variant.
Coding change: c.1408T>G on transcript NM_001352754.2 (MANE Select); coding-DNA position 1408, T replaced by G.
Protein change: p.Cys470Gly; replaces cysteine 470 with glycine.
Molecular consequence: missense variant. On other transcripts: non-coding transcript variant (1).
Genome position (GRCh38, 1-based): chr2:231,276,709, T>G. VCF-style: chr2-231276709-T-G. GRCh37 (hg19) VCF-style: chr2-232141422-T-G.
Other names: c.1408T>G, p.Cys470Gly (NM_001271466.4, NM_001291656.2, NM_001352755.2 and 3 more transcripts); c.1309T>G, p.Cys437Gly (NM_001352757.2, NM_001352758.2); short protein forms C470G, C437G.
Identifiers: ClinVar variation 1425059 (VCV001425059.6), dbSNP rs1299644235, ClinGen allele CA350955692.

ClinVar aggregate classification (germline): Uncertain significance (1 of 4 stars; one submission).

Allele frequency attached by ClinVar (database versions not stated): gnomAD 0.00001; TOPMed 0.00001.
gnomAD v4.1: 2 of 1,614,072 alleles (0.00012%); highest among the groups gnomAD compares: African/African-American, 0.0027%; no homozygotes.

Submission:

Labcorp Genetics (formerly Invitae), Labcorp
Classification: Uncertain significance. Last evaluated: 2021-06-30. Review status: criteria provided, single submitter. Criteria: Invitae Variant Classification Sherloc (09022015). Collection method: clinical testing. Allele origin: germline.
Comment: In summary, the available evidence is currently insufficient to determine the role of this variant in disease. Therefore, it has been classified as a Variant of Uncertain Significance. This sequence change replaces cysteine with glycine at codon 470 of the ARMC9 protein (p.Cys470Gly). The cysteine residue is moderately conserved and there is a large physicochemical difference between cysteine and glycine. This variant is not present in population databases (ExAC no frequency). This variant has not been reported in the literature in individuals affected with ARMC9-related conditions. Experimental studies and prediction algorithms are not available or were not evaluated, and the functional significance of this variant is currently unknown.